The following is an entry in ClinVar:

NM_001374828.1(ARID1B):c.4081G>A (p.Asp1361Asn)

Gene: ARID1B (AT-rich interaction domain 1B; plus strand). Cytogenetic location: 6q25.3.
Variant type: single nucleotide variant.
Coding change: c.4081G>A on transcript NM_001374828.1 (MANE Select); coding-DNA position 4081, G replaced by A.
Protein change: p.Asp1361Asn; replaces aspartic acid 1361 with asparagine.
Molecular consequence: missense variant.
Genome position (GRCh38, 1-based): chr6:157,190,060, G>A. VCF-style: chr6-157190060-G-A. GRCh37 (hg19) VCF-style: chr6-157511194-G-A.
Other names: c.3832G>A, p.Asp1278Asn (NM_001346813.1); c.1582G>A, p.Asp528Asn (NM_001363725.2); c.3961G>A, p.Asp1321Asn (NM_001371656.1, NM_001374820.1); c.3922G>A, p.Asp1308Asn (NM_017519.3); c.3712G>A, p.Asp1238Asn (NM_020732.3); c.3499G>A, p.Asp1167Asn (NM_175863.2); short protein forms D1278N, D528N, D1238N, D1361N, D1167N, D1308N, D1321N.
Identifiers: ClinVar variation 2337670 (VCV002337670.5), dbSNP rs1476545892, ClinGen allele CA366234835.

ClinVar aggregate classification (germline): Uncertain significance. Review status: criteria provided, multiple submitters, no conflicts (2 of 4 stars). 3 submissions from 3 submitters: Uncertain significance (3). Last evaluated 2024-12-20.

Conditions:
ARID1B-Related Disorder. Identifiers: MedGen CN381337.
Inborn genetic diseases. Identifiers: MedGen C0950123, MeSH D030342.

Allele frequency attached by ClinVar (database versions not stated): gnomAD 0.00001; gnomAD exomes 0.00001; TOPMed 0.00001.
gnomAD v4.1: 5 of 1,613,978 alleles (0.00031%); highest among the groups gnomAD compares: Admixed American, 0.0017%; no homozygotes.

Submissions (3):

PreventionGenetics, part of Exact Sciences
Classification: Uncertain significance for ARID1B-related condition. Last evaluated: 2024-12-20. Review status: criteria provided, single submitter. Criteria: ACMG Guidelines, 2015. Collection method: clinical testing. Allele origin: germline.
Comment: The ARID1B c.3712G>A variant is predicted to result in the amino acid substitution p.Asp1238Asn. To our knowledge, this variant has not been reported in the literature or in a large population database (gnomAD), indicating this variant is rare. At this time, the clinical significance of this variant is uncertain due to the absence of conclusive functional and genetic evidence.

GeneDx
Classification: Uncertain significance. Last evaluated: 2023-05-09. Review status: criteria provided, single submitter. Criteria: GeneDx Variant Classification Process June 2021. Collection method: clinical testing. Allele origin: germline. Affected: yes.
Comment: In silico analysis supports that this missense variant has a deleterious effect on protein structure/function; Has not been previously published as pathogenic or benign to our knowledge

Ambry Genetics
Classification: Uncertain significance for Inborn genetic diseases. Last evaluated: 2023-01-27. Review status: criteria provided, single submitter. Criteria: Ambry Variant Classification Scheme 2023. Collection method: clinical testing. Allele origin: germline.
Comment: The c.3712G>A (p.D1238N) alteration is located in exon 15 (coding exon 15) of the ARID1B gene. This alteration results from a G to A substitution at nucleotide position 3712, causing the aspartic acid (D) at amino acid position 1238 to be replaced by an asparagine (N). This variant was not reported in population-based cohorts in the Genome Aggregation Database (gnomAD). This amino acid position is highly conserved in available vertebrate species. This alteration is predicted to be tolerated by in silico analysis. Based on insufficient or conflicting evidence, the clinical significance of this alteration remains unclear.